The following is an entry in ClinVar:

ClinVar aggregate classification (germline): Pathogenic/Likely pathogenic. Review status: criteria provided, multiple submitters, no conflicts (2 of 4 stars). 2 submissions from 2 submitters: Pathogenic (1); Likely pathogenic (1). Last evaluated 2024-02-15.

Conditions:
Deficiency of alpha-mannosidase (MANSA). Also called: Alpha-Mannosidosis; LYSOSOMAL ALPHA-D-MANNOSIDASE DEFICIENCY; Mannosidosis, alpha-, types I and II. Identifiers: Orphanet 61, MedGen C0024748, MONDO:0009561, OMIM 248500.

Submissions (2):

Baylor Genetics
Classification: Likely pathogenic for Deficiency of alpha-mannosidase. Last evaluated: 2024-02-15. Review status: criteria provided, single submitter. Criteria: ACMG Guidelines, 2015. Collection method: clinical testing. Allele origin: unknown.

Labcorp Genetics (formerly Invitae), Labcorp
Classification: Pathogenic for Deficiency of alpha-mannosidase. Last evaluated: 2024-01-16. Review status: criteria provided, single submitter. Criteria: Invitae Variant Classification Sherloc (09022015). Collection method: clinical testing. Allele origin: germline.
Comment: This sequence change creates a premature translational stop signal (p.Arg760Profs*36) in the MAN2B1 gene. It is expected to result in an absent or disrupted protein product. Loss-of-function variants in MAN2B1 are known to be pathogenic (PMID: 9915946, 22161967). This variant is not present in population databases (gnomAD no frequency). This variant has not been reported in the literature in individuals affected with MAN2B1-related conditions. For these reasons, this variant has been classified as Pathogenic.

Literature cited by the submitters: PubMed 9915946 (cited by Labcorp Genetics (formerly Invitae), Labcorp); PubMed 22161967 (cited by Labcorp Genetics (formerly Invitae), Labcorp).

NM_000528.4(MAN2B1):c.2279_2280del (p.Arg760fs)

Gene: MAN2B1 (mannosidase alpha class 2B member 1; minus strand). Cytogenetic location: 19p13.13.
Variant type: Deletion.
Coding change: c.2279_2280del on transcript NM_000528.4 (MANE Select); coding-DNA positions 2279 to 2280, 2 bases deleted (GA; older notation c.2279_2280delGA).
Protein change: p.Arg760fs; shifts the reading frame from arginine 760.
Molecular consequence: frameshift variant.
Genome position (GRCh38, 1-based): chr19:12,649,416-12,649,417, TC deleted on the plus strand (GA on the coding strand, the reverse complement: MAN2B1 is on the minus strand). VCF-style (leftmost placement, unchanged base first): chr19-12649415-GTC-G. GRCh37 (hg19) VCF-style: chr19-12760229-GTC-G.
Other names: c.2276_2277del, p.Arg759fs (NM_001173498.2); short protein forms R760fs, R759fs.
Identifiers: ClinVar variation 2702640 (VCV002702640.4), dbSNP rs2512488438, ClinGen allele CA2697556355.